The following is an entry in ClinVar:

NM_002875.5(RAD51):c.474G>A (p.Met158Ile)

Gene: RAD51 (RAD51 recombinase; plus strand). Cytogenetic location: 15q15.1.
Variant type: single nucleotide variant.
Coding change: c.474G>A on transcript NM_002875.5 (MANE Select); coding-DNA position 474, G replaced by A.
Protein change: p.Met158Ile; replaces methionine 158 with isoleucine.
Molecular consequence: missense variant.
Genome position (GRCh38, 1-based): chr15:40,718,843, G>A. VCF-style: chr15-40718843-G-A. GRCh37 (hg19) VCF-style: chr15-41011041-G-A.
Other names: c.477G>A, p.Met159Ile (NM_001164269.2, NM_133487.4); c.474G>A, p.Met158Ile (NM_001164270.2); short protein forms M159I, M158I.
Identifiers: ClinVar variation 2117577 (VCV002117577.4), dbSNP rs781102405, ClinGen allele CA7484025.

ClinVar aggregate classification (germline): Uncertain significance (1 of 4 stars; one submission).

Allele frequency attached by ClinVar (database versions not stated): gnomAD exomes below 0.00001; ExAC 0.00001.

Submission:

Labcorp Genetics (formerly Invitae), Labcorp
Classification: Uncertain significance. Last evaluated: 2022-09-19. Review status: criteria provided, single submitter. Criteria: Invitae Variant Classification Sherloc (09022015). Collection method: clinical testing. Allele origin: germline.
Comment: Advanced modeling of protein sequence and biophysical properties (such as structural, functional, and spatial information, amino acid conservation, physicochemical variation, residue mobility, and thermodynamic stability) performed at Invitae indicates that this missense variant is not expected to disrupt RAD51 protein function. In summary, the available evidence is currently insufficient to determine the role of this variant in disease. Therefore, it has been classified as a Variant of Uncertain Significance. This sequence change replaces methionine, which is neutral and non-polar, with isoleucine, which is neutral and non-polar, at codon 158 of the RAD51 protein (p.Met158Ile). This variant is present in population databases (rs781102405, gnomAD 0.0009%). This variant has not been reported in the literature in individuals affected with RAD51-related conditions.